The following is an entry in ClinVar:

NM_003500.4(ACOX2):c.318T>C (p.Ala106=)

Gene: ACOX2 (acyl-CoA oxidase 2; minus strand). Cytogenetic location: 3p14.3.
Variant type: single nucleotide variant.
Coding change: c.318T>C on transcript NM_003500.4 (MANE Select); coding-DNA position 318, T replaced by C.
Protein change: p.Ala106=; no amino-acid change (alanine 106 retained).
Molecular consequence: synonymous variant.
Genome position (GRCh38, 1-based): chr3:58,534,365, A>G on the plus strand (T>C on the coding strand, the complement: ACOX2 is on the minus strand). VCF-style: chr3-58534365-A-G. GRCh37 (hg19) VCF-style: chr3-58520092-A-G.
Identifiers: ClinVar variation 4997148 (VCV004997148.1).

ClinVar aggregate classification (germline): Likely benign (1 of 4 stars; one submission).

Conditions:
ACOX2-related disorder. Also called: ACOX2-related condition.

gnomAD v4.1: 1 of 1,614,196 alleles (0.000062%); highest among the groups gnomAD compares: Non-Finnish European, 0.000085%; no homozygotes.

Submission:

PreventionGenetics, part of Exact Sciences
Classification: Likely benign for ACOX2-related condition. Last evaluated: 2024-11-13. Review status: criteria provided, single submitter. Criteria: ACMG Guidelines, 2015. Collection method: clinical testing. Allele origin: germline.
Comment: This variant is classified as likely benign based on ACMG/AMP sequence variant interpretation guidelines (Richards et al. 2015 PMID: 25741868, with internal and published modifications).